The following is an entry in ClinVar:

NM_000465.4(BARD1):c.1235C>G (p.Ser412Ter)

Gene: BARD1 (BRCA1 associated RING domain 1; minus strand). Cytogenetic location: 2q35.
Variant type: single nucleotide variant.
Coding change: c.1235C>G on transcript NM_000465.4 (MANE Select); coding-DNA position 1235, C replaced by G.
Protein change: p.Ser412Ter; replaces serine 412 with a stop codon.
Molecular consequence: nonsense. On other transcripts: non-coding transcript variant (2), intron variant (3).
Genome position (GRCh38, 1-based): chr2:214,780,639, G>C on the plus strand (C>G on the coding strand, the complement: BARD1 is on the minus strand). VCF-style: chr2-214780639-G-C. GRCh37 (hg19) VCF-style: chr2-215645363-G-C.
Other names: c.1178C>G, p.Ser393Ter (NM_001282543.2); c.159-28084C>G (NM_001282548.2); c.215+16422C>G (NM_001282545.2); c.364+11658C>G (NM_001282549.2); short protein forms S393*, S412*.
Identifiers: ClinVar variation 4294191 (VCV004294191.1).

ClinVar aggregate classification (germline): Pathogenic (1 of 4 stars; one submission).

Conditions:
Familial cancer of breast. Also called: hereditary breast carcinoma; BREAST CANCER, FAMILIAL; Hereditary breast cancer. Identifiers: Orphanet 227535, MedGen C0346153, MONDO:0016419, OMIM 114480. Disease mechanism: loss of function.

gnomAD v4.1: 1 of 1,614,098 alleles (0.000062%); highest among the groups gnomAD compares: South Asian, 0.0011%; no homozygotes.

Submission:

Myriad Genetics, Inc.
Classification: Pathogenic for Familial cancer of breast. Last evaluated: 2025-07-15. Review status: criteria provided, single submitter. Criteria: Myriad Autosomal Dominant, Autosomal Recessive and X-Linked Classification Criteria (2023). Collection method: clinical testing. Allele origin: unknown.
Comment: This variant is considered pathogenic. This variant creates a termination codon and is predicted to result in premature protein truncation.